The following is an entry in ClinVar:

NM_207341.4(ZP1):c.1213dup (p.Leu405fs)

Gene: ZP1 (zona pellucida glycoprotein 1; plus strand). Cytogenetic location: 11q12.2.
Variant type: Duplication.
Coding change: c.1213dup on transcript NM_207341.4 (MANE Select); coding-DNA position 1213, one base duplicated (C; older notation c.1213dupC).
Protein change: p.Leu405fs; shifts the reading frame from leucine 405.
Molecular consequence: frameshift variant.
Genome position (GRCh38, 1-based): chr11:60,873,262, C duplicated; the last of 5 consecutive C bases (chr11:60,873,258-60,873,262); duplicating any one gives the same sequence. VCF-style (leftmost placement, unchanged base first): chr11-60873257-G-GC. GRCh37 (hg19) VCF-style: chr11-60640730-G-GC.
Other names: c.334dup, p.Leu112fs (NM_001391943.1); c.19dup, p.Leu7fs (NM_001391944.1); short protein forms L112fs, L405fs, L7fs.
Identifiers: ClinVar variation 5018569 (VCV005018569.2).

ClinVar aggregate classification (germline): Likely pathogenic (1 of 4 stars; one submission).

Conditions:
Female infertility due to zona pellucida defect (OZEMA1). Also called: OOCYTE/ZYGOTE/EMBRYO MATURATION ARREST 1; Oocyte maturation defect 1. Identifiers: Orphanet 404466, MedGen C4014291, MONDO:0014342, OMIM 615774.

Submission:

Juno Genomics, Hangzhou Juno Genomics, Inc
Classification: Likely pathogenic for Female infertility due to zona pellucida defect. Review status: criteria provided, single submitter. Criteria: ACMG Guidelines, 2015. Collection method: clinical testing. Allele origin: germline.
Comment: Absent from controls (or at extremely low frequency if recessive) in Genome Aggregation Database.;Null variant in a gene where loss of function (LOF) is a known mechanism of disease.